The following is an entry in ClinVar:

NM_000548.3:c.3401del

Gene: TSC2 (TSC complex subunit 2; plus strand).
Variant type: Deletion.
Identifiers: ClinVar variation 3572147 (VCV003572147.1).

ClinVar aggregate classification (germline): Pathogenic (1 of 4 stars; one submission).

Submission:

Quest Diagnostics Nichols Institute San Juan Capistrano
Classification: Pathogenic. Last evaluated: 2024-04-12. Review status: criteria provided, single submitter. Criteria: Quest Diagnostics criteria. Collection method: clinical testing. Allele origin: unknown.
Comment: The TSC2 c.3401del (p.Gly1134Alafs*57) variant alters the translational reading frame of the TSC2 mRNA and causes the premature termination of TSC2 protein synthesis. This variant has been reported in the published literature in individuals with tuberous sclerosis (PMID: 10205261 (1999)) and epilepsy and neurodevelopmental disorders (PMID: 29655203 (2018)). This variant has not been reported in large, multi-ethnic general populations (Genome Aggregation Database). Based on the available information, this variant is classified as pathogenic.

Literature cited by the submitters: PubMed 10205261; PubMed 25210493; PubMed 29655203.